The following is an entry in ClinVar:

ClinVar aggregate classification (germline): Likely benign (1 of 4 stars; one submission).

Conditions:
ADCY3-related disorder. Also called: ADCY3-related condition.

gnomAD v4.1: 1 of 1,613,658 alleles (0.000062%); highest among the groups gnomAD compares: Admixed American, 0.0017%; no homozygotes.

Submission:

PreventionGenetics, part of Exact Sciences
Classification: Likely benign for ADCY3-related condition. Last evaluated: 2025-09-03. Review status: criteria provided, single submitter. Criteria: ACMG Guidelines, 2015. Collection method: clinical testing. Allele origin: germline.
Comment: This variant is classified as likely benign based on ACMG/AMP sequence variant interpretation guidelines (Richards et al. 2015 PMID: 25741868, with internal and published modifications).

NM_004036.5(ADCY3):c.2757T>C (p.Tyr919=)

Gene: ADCY3 (adenylate cyclase 3; minus strand). Cytogenetic location: 2p23.3.
Variant type: single nucleotide variant.
Coding change: c.2757T>C on transcript NM_004036.5 (MANE Select); coding-DNA position 2757, T replaced by C.
Protein change: p.Tyr919=; no amino-acid change (tyrosine 919 retained).
Molecular consequence: synonymous variant. On other transcripts: intron variant (1).
Genome position (GRCh38, 1-based): chr2:24,823,335, A>G on the plus strand (T>C on the coding strand, the complement: ADCY3 is on the minus strand). VCF-style: chr2-24823335-A-G. GRCh37 (hg19) VCF-style: chr2-25046204-A-G.
Other names: c.2760T>C, p.Tyr920= (NM_001320613.2); c.2823T>C, p.Tyr941= (NM_001377128.1); c.2619T>C, p.Tyr873= (NM_001377129.1); c.2034T>C, p.Tyr678= (NM_001377131.1); c.2757T>C, p.Tyr919= (NM_001377132.1); c.2332-705T>C (NM_001377130.1).
Identifiers: ClinVar variation 4997674 (VCV004997674.1).